The following is an entry in ClinVar:

ClinVar aggregate classification (germline): Likely pathogenic (1 of 4 stars; one submission).

Conditions:
Renal hypodysplasia/aplasia 3 (RHDA3). Identifiers: MedGen C4540497, MONDO:0024520, OMIM 617805.

Submission:

Victorian Clinical Genetics Services, Murdoch Childrens Research Institute
Classification: Likely pathogenic for Renal hypodysplasia/aplasia 3. Last evaluated: 2025-07-01. Review status: criteria provided, single submitter. Criteria: ACMG Guidelines, 2015. Collection method: clinical testing. Allele origin: germline. Affected: yes.
Comment: This variant is classified as Likely pathogenic. Evidence in support of pathogenic classification: Variant is absent from gnomAD (v2, v3 and v4); This variant has limited evidence for segregation with disease. Missense variant consistently predicted to be damaging by an in silico tool or highly conserved with a major amino acid change. Additional information: Variant is predicted to result in a missense amino acid change from glycine to arginine; This variant is heterozygous; This gene is associated with autosomal dominant disease; An alternative amino acid change at the same position has been observed in gnomAD (v4: 1 heterozygote(s), 0 homozygote(s)); This variant has no previous evidence of pathogenicity; No published functional evidence has been identified for this variant; No comparable missense variants have previous evidence for pathogenicity; Variant is located in the annotated GREB1_C domain (DECIPHER) - Loss of function is a known mechanism of disease in this gene and is associated with autosomal dominant deafness 80 (MIM#619274) and renal hypodysplasia/aplasia 3 (MIM#617805); The condition associated with this gene has incomplete penetrance, where variants have been inherited from unaffected parents (PMIDs: 29100090, 32378186); Variants in this gene are known to have variable expressivity (OMIM).

Literature cited by the submitters: PubMed 32378186; PubMed 29100090.

NM_001142966.3(GREB1L):c.5542G>A (p.Gly1848Arg)

Gene: GREB1L (GREB1 like retinoic acid receptor coactivator; plus strand). Cytogenetic location: 18q11.2.
Variant type: single nucleotide variant.
Coding change: c.5542G>A on transcript NM_001142966.3 (MANE Select); coding-DNA position 5542, G replaced by A.
Protein change: p.Gly1848Arg; replaces glycine 1848 with arginine.
Molecular consequence: missense variant.
Genome position (GRCh38, 1-based): chr18:21,520,757, G>A. VCF-style: chr18-21520757-G-A. GRCh37 (hg19) VCF-style: chr18-19100718-G-A.
Other names: c.5671G>A, p.Gly1891Arg (NM_001410867.1); c.5215G>A, p.Gly1739Arg (NM_001410868.1); short protein forms G1739R, G1848R, G1891R.
Identifiers: ClinVar variation 4531687 (VCV004531687.1).